The following is an entry in ClinVar:

ClinVar aggregate classification (germline): Uncertain significance (1 of 4 stars; one submission).

Submission:

Labcorp Genetics (formerly Invitae), Labcorp
Classification: Uncertain significance. Last evaluated: 2022-09-13. Review status: criteria provided, single submitter. Criteria: Invitae Variant Classification Sherloc (09022015). Collection method: clinical testing. Allele origin: germline.
Comment: In summary, the available evidence is currently insufficient to determine the role of this variant in disease. Therefore, it has been classified as a Variant of Uncertain Significance. ClinVar contains an entry for this variant (Variation ID: 1371779). This variant has not been reported in the literature in individuals affected with A2ML1-related conditions. This variant is not present in population databases (gnomAD no frequency). This sequence change creates a premature translational stop signal (p.Val1423Hisfs*12) in the A2ML1 gene. It is expected to result in an absent or disrupted protein product. However, the current clinical and genetic evidence is not sufficient to establish whether loss-of-function variants in A2ML1 cause disease.

NM_144670.6(A2ML1):c.4267_4274del (p.Val1423fs)

Gene: A2ML1 (alpha-2-macroglobulin like 1; plus strand). Cytogenetic location: 12p13.31.
Variant type: Deletion.
Coding change: c.4267_4274del on transcript NM_144670.6 (MANE Select); coding-DNA positions 4267 to 4274, 8 bases deleted (GTGCTGGT; older notation c.4267_4274delGTGCTGGT).
Protein change: p.Val1423fs; shifts the reading frame from valine 1423.
Molecular consequence: frameshift variant.
Genome position (GRCh38, 1-based): chr12:8,874,470-8,874,477, GTGCTGGT deleted; deleting any 8 consecutive bases within chr12:8,874,468-8,874,477 gives the same sequence; the c. name uses the placement nearest the transcript's 3' end. VCF-style (leftmost placement, unchanged base first): chr12-8874467-AGTGTGCTG-A. GRCh37 (hg19) VCF-style: chr12-9027063-AGTGTGCTG-A.
Other names: c.2794_2801del, p.Val932fs (NM_001282424.3); short protein forms V932fs, V1423fs.
Identifiers: ClinVar variation 1371779 (VCV001371779.6), dbSNP rs2136995495, ClinGen allele CA2573148445.